The following is an entry in ClinVar:

NM_015331.3(NCSTN):c.976A>G (p.Met326Val)

Gene: NCSTN (nicastrin; plus strand). Cytogenetic location: 1q23.2.
Variant type: single nucleotide variant.
Coding change: c.976A>G on transcript NM_015331.3 (MANE Select); coding-DNA position 976, A replaced by G.
Protein change: p.Met326Val; replaces methionine 326 with valine.
Molecular consequence: missense variant. On other transcripts: intron variant (1).
Genome position (GRCh38, 1-based): chr1:160,352,186, A>G. VCF-style: chr1-160352186-A-G. GRCh37 (hg19) VCF-style: chr1-160321976-A-G.
Other names: c.916A>G, p.Met306Val (NM_001290184.2); c.976A>G, p.Met326Val (NM_001349729.2); c.583-701A>G (NM_001290186.2); short protein forms M306V, M326V.
Identifiers: ClinVar variation 1352189 (VCV001352189.6), dbSNP rs2101903331, ClinGen allele CA343280043.

ClinVar aggregate classification (germline): Uncertain significance (1 of 4 stars; one submission).

Allele frequency attached by ClinVar (database versions not stated): gnomAD exomes below 0.00001.
gnomAD v4.1: 1 of 1,614,072 alleles (0.000062%); highest among the groups gnomAD compares: Non-Finnish European, 0.000085%; no homozygotes.

Submission:

Labcorp Genetics (formerly Invitae), Labcorp
Classification: Uncertain significance. Last evaluated: 2021-10-08. Review status: criteria provided, single submitter. Criteria: Invitae Variant Classification Sherloc (09022015). Collection method: clinical testing. Allele origin: germline.
Comment: In summary, the available evidence is currently insufficient to determine the role of this variant in disease. Therefore, it has been classified as a Variant of Uncertain Significance. Algorithms developed to predict the effect of missense changes on protein structure and function are either unavailable or do not agree on the potential impact of this missense change (SIFT: "Tolerated"; PolyPhen-2: "Possibly Damaging"; Align-GVGD: "Class C0"). This variant has not been reported in the literature in individuals affected with NCSTN-related conditions. This variant is not present in population databases (ExAC no frequency). This sequence change replaces methionine with valine at codon 326 of the NCSTN protein (p.Met326Val). The methionine residue is moderately conserved and there is a small physicochemical difference between methionine and valine.